The following is an entry in ClinVar:

ClinVar aggregate classification (germline): Uncertain significance (1 of 4 stars; one submission).

Allele frequency attached by ClinVar (database versions not stated): TOPMed 0.00001.

Submission:

Labcorp Genetics (formerly Invitae), Labcorp
Classification: Uncertain significance. Last evaluated: 2023-07-10. Review status: criteria provided, single submitter. Criteria: Invitae Variant Classification Sherloc (09022015). Collection method: clinical testing. Allele origin: germline.
Comment: In summary, the available evidence is currently insufficient to determine the role of this variant in disease. Therefore, it has been classified as a Variant of Uncertain Significance. Algorithms developed to predict the effect of missense changes on protein structure and function output the following: SIFT: "Not Available"; PolyPhen-2: "Benign"; Align-GVGD: "Not Available". The valine amino acid residue is found in multiple mammalian species, which suggests that this missense change does not adversely affect protein function. ClinVar contains an entry for this variant (Variation ID: 2049284). This variant has not been reported in the literature in individuals affected with TAOK2-related conditions. This variant is not present in population databases (gnomAD no frequency). This sequence change replaces glycine, which is neutral and non-polar, with valine, which is neutral and non-polar, at codon 1188 of the TAOK2 protein (p.Gly1188Val).

NM_016151.4(TAOK2):c.3563G>T (p.Gly1188Val)

Gene: TAOK2 (TAO kinase 2; plus strand). Cytogenetic location: 16p11.2.
Variant type: single nucleotide variant.
Coding change: c.3563G>T on transcript NM_016151.4 (MANE Select); coding-DNA position 3563, G replaced by T.
Protein change: p.Gly1188Val; replaces glycine 1188 with valine.
Molecular consequence: missense variant. On other transcripts: intron variant (1).
Genome position (GRCh38, 1-based): chr16:29,987,835, G>T. VCF-style: chr16-29987835-G-T. GRCh37 (hg19) VCF-style: chr16-29999156-G-T.
Other names: c.3224G>T, p.Gly1075Val (NM_001252043.2); c.2232+1331G>T (NM_004783.4); short protein forms G1075V, G1188V.
Identifiers: ClinVar variation 2049284 (VCV002049284.5), dbSNP rs1364899186, ClinGen allele CA395501679.